The following is an entry in ClinVar:

ClinVar aggregate classification (germline): Uncertain significance (1 of 4 stars; one submission).

Conditions:
Progressive sclerosing poliodystrophy (MTDPS4A). Also called: ALPERS PROGRESSIVE INFANTILE POLIODYSTROPHY; NEURONAL DEGENERATION OF CHILDHOOD WITH LIVER DISEASE, PROGRESSIVE; Alpers Syndrome; ALPERS DIFFUSE DEGENERATION OF CEREBRAL GRAY MATTER WITH HEPATIC CIRRHOSIS; Alpers-Huttenlocher Syndrome; Mitochondrial DNA depletion syndrome 4A (Alpers type). Identifiers: Orphanet 726, MedGen C0205710, MONDO:0008758, OMIM 203700.

Submission:

Labcorp Genetics (formerly Invitae), Labcorp
Classification: Uncertain significance for Progressive sclerosing poliodystrophy. Last evaluated: 2023-10-06. Review status: criteria provided, single submitter. Criteria: Invitae Variant Classification Sherloc (09022015). Collection method: clinical testing. Allele origin: germline.
Comment: This sequence change replaces phenylalanine, which is neutral and non-polar, with cysteine, which is neutral and slightly polar, at codon 291 of the POLG protein (p.Phe291Cys). This variant is not present in population databases (gnomAD no frequency). This variant has not been reported in the literature in individuals affected with POLG-related conditions. Advanced modeling of protein sequence and biophysical properties (such as structural, functional, and spatial information, amino acid conservation, physicochemical variation, residue mobility, and thermodynamic stability) performed at Invitae indicates that this missense variant is expected to disrupt POLG protein function. In summary, the available evidence is currently insufficient to determine the role of this variant in disease. Therefore, it has been classified as a Variant of Uncertain Significance.

NM_002693.3(POLG):c.872T>G (p.Phe291Cys)

Gene: POLG (DNA polymerase gamma, catalytic subunit; minus strand). Cytogenetic location: 15q26.1.
Variant type: single nucleotide variant.
Coding change: c.872T>G on transcript NM_002693.3 (MANE Select); coding-DNA position 872, T replaced by G.
Protein change: p.Phe291Cys; replaces phenylalanine 291 with cysteine.
Molecular consequence: missense variant.
Genome position (GRCh38, 1-based): chr15:89,329,094, A>C on the plus strand (T>G on the coding strand, the complement: POLG is on the minus strand). VCF-style: chr15-89329094-A-C. GRCh37 (hg19) VCF-style: chr15-89872325-A-C.
Other names: c.872T>G, p.Phe291Cys (NM_001126131.2); short protein forms F291C.
Identifiers: ClinVar variation 2766372 (VCV002766372.3), dbSNP rs2055561997, ClinGen allele CA393766122.